The following is an entry in ClinVar:

NM_000222.3(KIT):c.1656G>C (p.Met552Ile)

Gene: KIT (KIT proto-oncogene, receptor tyrosine kinase; plus strand). Cytogenetic location: 4q12.
Variant type: single nucleotide variant.
Coding change: c.1656G>C on transcript NM_000222.3 (MANE Select); coding-DNA position 1656, G replaced by C.
Protein change: p.Met552Ile; replaces methionine 552 with isoleucine.
Molecular consequence: missense variant.
Genome position (GRCh38, 1-based): chr4:54,727,424, G>C. VCF-style: chr4-54727424-G-C. GRCh37 (hg19) VCF-style: chr4-55593590-G-C.
Other names: c.1644G>C, p.Met548Ile (NM_001093772.2, NM_001385286.1); c.1659G>C, p.Met553Ile (NM_001385284.1, NM_001385290.1); c.1656G>C, p.Met552Ile (NM_001385285.1); c.1647G>C, p.Met549Ile (NM_001385288.1, NM_001385292.1); short protein forms M552I, M548I, M549I, M553I.
Identifiers: ClinVar variation 834276 (VCV000834276.11), dbSNP rs1482011071, ClinGen allele CA356907433.
Genomic context (GRCh38, chr4:54,727,424, plus strand): 5'-ACTGAGACAATAATTATTAAAAGGTGATCTATTTTTCCCTTTCTCCCCACAGAAACCCAT[G>C]TATGAAGTACAGTGGAAGGTTGTTGAGGAGATAAATGGAAACAATTATGTTTACATAGAC-3'
Protein context (NP_000213.1, residues 542-562): ILTYKYLQKP[Met552Ile]YEVQWKVVEE

ClinVar aggregate classification (germline): Uncertain significance (1 of 4 stars; one submission).
ClinVar aggregate classification (oncogenicity): Uncertain significance (0 of 4 stars; one submission).

Conditions:
Gastrointestinal stromal tumor. Also called: Gastrointestinal stromal tumor, somatic; Gastrointestinal stroma tumor. Identifiers: Orphanet 44890, MedGen C0238198, MeSH D046152, MONDO:0011719, OMIM 606764, HP:0100723.

Submissions (2):

Labcorp Genetics (formerly Invitae), Labcorp
Classification: Uncertain significance for Gastrointestinal stromal tumor. Last evaluated: 2019-12-03. Review status: criteria provided, single submitter. Criteria: Invitae Variant Classification Sherloc (09022015). Collection method: clinical testing. Allele origin: germline.
Comment: In summary, the available evidence is currently insufficient to determine the role of this variant in disease. Therefore, it has been classified as a Variant of Uncertain Significance. Algorithms developed to predict the effect of missense changes on protein structure and function (SIFT, PolyPhen-2, Align-GVGD) all suggest that this variant is likely to be tolerated, but these predictions have not been confirmed by published functional studies and their clinical significance is uncertain. This variant has not been reported in the literature in individuals with KIT-related conditions. This variant is not present in population databases (ExAC no frequency). This sequence change replaces methionine with isoleucine at codon 552 of the KIT protein (p.Met552Ile). The methionine residue is moderately conserved and there is a small physicochemical difference between methionine and isoleucine.

National Institute of Cancer Research, National Health Research Institutes
Classification: Uncertain significance for Gastrointestinal stromal tumor. Review status: no assertion criteria provided. Collection method: research. Allele origin: somatic. Observed: 1 variant allele.
Comment: clinical data